The following is an entry in ClinVar:

NM_025137.4(SPG11):c.863A>T (p.Tyr288Phe)

Gene: SPG11 (SPG11 vesicle trafficking associated, spatacsin; minus strand). Cytogenetic location: 15q21.1.
Variant type: single nucleotide variant.
Coding change: c.863A>T on transcript NM_025137.4 (MANE Select); coding-DNA position 863, A replaced by T.
Protein change: p.Tyr288Phe; replaces tyrosine 288 with phenylalanine.
Molecular consequence: missense variant.
Genome position (GRCh38, 1-based): chr15:44,657,101, T>A on the plus strand (A>T on the coding strand, the complement: SPG11 is on the minus strand). VCF-style: chr15-44657101-T-A. GRCh37 (hg19) VCF-style: chr15-44949299-T-A.
Other names: c.863A>T, p.Tyr288Phe (NM_001160227.2, NM_001411132.1); short protein forms Y288F.
Identifiers: ClinVar variation 3665520 (VCV003665520.2).

ClinVar aggregate classification (germline): Uncertain significance (1 of 4 stars; one submission).

Conditions:
Hereditary spastic paraplegia 11. Also called: SPASTIC PARAPLEGIA, AUTOSOMAL RECESSIVE, COMPLICATED, WITH THIN CORPUS CALLOSUM; SPASTIC PARAPLEGIA, AUTOSOMAL RECESSIVE, WITH MENTAL IMPAIRMENT AND THIN CORPUS CALLOSUM; Spastic Paraplegia 11; Spastic paraplegia, mental retardation and thin corpus callosum; Nakamura Osame syndrome; Autosomal recessive hereditary spastic paraplegia, mental impairment, and thin corpus callosum. Identifiers: Orphanet 2822, MedGen C1858479, MONDO:0011445, OMIM 604360.

Submission:

Labcorp Genetics (formerly Invitae), Labcorp
Classification: Uncertain significance for Hereditary spastic paraplegia 11. Last evaluated: 2024-10-13. Review status: criteria provided, single submitter. Criteria: Invitae Variant Classification Sherloc (09022015). Collection method: clinical testing. Allele origin: germline.
Comment: This sequence change replaces tyrosine, which is neutral and polar, with phenylalanine, which is neutral and non-polar, at codon 288 of the SPG11 protein (p.Tyr288Phe). This variant is not present in population databases (gnomAD no frequency). This variant has not been reported in the literature in individuals affected with SPG11-related conditions. Invitae Evidence Modeling of protein sequence and biophysical properties (such as structural, functional, and spatial information, amino acid conservation, physicochemical variation, residue mobility, and thermodynamic stability) indicates that this missense variant is expected to disrupt SPG11 protein function with a positive predictive value of 80%. In summary, the available evidence is currently insufficient to determine the role of this variant in disease. Therefore, it has been classified as a Variant of Uncertain Significance.